The following is an entry in ClinVar:

ClinVar aggregate classification (germline): Benign/Likely benign. Review status: criteria provided, multiple submitters, no conflicts (2 of 4 stars). 5 submissions from 5 submitters: Benign (4); Likely benign (1). Last evaluated 2026-07-01.

Conditions:
3M syndrome 2. Also called: THREE M SYNDROME 2; 3-M Syndrome, OBSL1-Related. Identifiers: Orphanet 2616, MedGen C2752041, MONDO:0013039, OMIM 612921.

Allele frequency attached by ClinVar (database versions not stated): 1000 Genomes Project 0.00399; 1000 Genomes Project 30x 0.00468; TOPMed 0.00935; ExAC 0.01013; gnomAD exomes 0.01020; gnomAD 0.01045 and 0.01074; ESP Exome Variant Server 0.01067.
gnomAD v4.1: 19,273 of 1,600,882 alleles (1.2%); highest among the groups gnomAD compares: Non-Finnish European, 1.3%; 143 homozygotes.

Submissions (5):

CeGaT Center for Human Genetics Tuebingen
Classification: Benign. Last evaluated: 2026-07-01. Review status: criteria provided, single submitter. Criteria: CeGaT Center For Human Genetics Tuebingen Variant Classification Criteria Version 2. Collection method: clinical testing. Allele origin: germline. Affected: yes. Observed: 10 variant alleles.
Comment: OBSL1: BS1, BS2

Women's Health and Genetics/Laboratory Corporation of America, LabCorp
Classification: Likely benign. Last evaluated: 2026-05-12. Review status: criteria provided, single submitter. Criteria: LabCorp Variant Classification Summary - May 2015. Collection method: clinical testing. Allele origin: germline.

Labcorp Genetics (formerly Invitae), Labcorp
Classification: Benign. Last evaluated: 2026-02-01. Review status: criteria provided, single submitter. Criteria: Invitae Variant Classification Sherloc (09022015). Collection method: clinical testing. Allele origin: germline.

Illumina Laboratory Services, Illumina
Classification: Benign for 3M syndrome 2. Last evaluated: 2018-01-13. Review status: criteria provided, single submitter. Criteria: ICSL Variant Classification Criteria 13 December 2019. Collection method: clinical testing. Allele origin: germline.
Comment: This variant was observed in the ICSL laboratory as part of a predisposition screen in an ostensibly healthy population. It had not been previously curated by ICSL or reported in the Human Gene Mutation Database (HGMD: prior to June 1st, 2018), and was therefore a candidate for classification through an automated scoring system. Utilizing variant allele frequency, disease prevalence and penetrance estimates, and inheritance mode, an automated score was calculated to assess if this variant is too frequent to cause the disease. Based on the score and internal cut-off values, a variant classified as benign is not then subjected to further curation. The score for this variant resulted in a classification of benign for this disease.

Breakthrough Genomics
Classification: Benign. Review status: criteria provided, single submitter. Criteria: ACMG Guidelines, 2015. Collection method: not provided. Allele origin: germline. Inheritance: Autosomal recessive inheritance. Affected: yes.

NM_015311.3(OBSL1):c.3752C>T (p.Pro1251Leu)

Gene: OBSL1 (obscurin like cytoskeletal adaptor 1; minus strand). Cytogenetic location: 2q35.
Variant type: single nucleotide variant.
Coding change: c.3752C>T on transcript NM_015311.3 (MANE Select); coding-DNA position 3752, C replaced by T.
Protein change: p.Pro1251Leu; replaces proline 1251 with leucine.
Molecular consequence: missense variant.
Genome position (GRCh38, 1-based): chr2:219,557,861, G>A on the plus strand (C>T on the coding strand, the complement: OBSL1 is on the minus strand). VCF-style: chr2-219557861-G-A. GRCh37 (hg19) VCF-style: chr2-220422583-G-A.
Other names: c.3752C>T, p.Pro1251Leu (NM_001173431.2); short protein forms P1251L.
Identifiers: ClinVar variation 334493 (VCV000334493.28), dbSNP rs145485683, ClinGen allele CA2130765.